The following is an entry in ClinVar:

NM_016507.4(CDK12):c.1296C>A (p.Asn432Lys)

Gene: CDK12 (cyclin dependent kinase 12; plus strand). Cytogenetic location: 17q12.
Variant type: single nucleotide variant.
Coding change: c.1296C>A on transcript NM_016507.4 (MANE Select); coding-DNA position 1296, C replaced by A.
Protein change: p.Asn432Lys; replaces asparagine 432 with lysine.
Molecular consequence: missense variant.
Genome position (GRCh38, 1-based): chr17:39,471,128, C>A. VCF-style: chr17-39471128-C-A. GRCh37 (hg19) VCF-style: chr17-37627381-C-A.
Other names: c.1296C>A, p.Asn432Lys (NM_015083.4); short protein forms N432K.
Identifiers: ClinVar variation 4868484 (VCV004868484.1).

ClinVar aggregate classification (germline): Uncertain significance (1 of 4 stars; one submission).

Submission:

Ambry Genetics
Classification: Uncertain significance. Last evaluated: 2026-04-11. Review status: criteria provided, single submitter. Criteria: Ambry Variant Classification Scheme 2023. Collection method: clinical testing. Allele origin: germline.
Comment: The p.N432K variant (also known as c.1296C>A), located in coding exon 2 of the CDK12 gene, results from a C to A substitution at nucleotide position 1296. The asparagine at codon 432 is replaced by lysine, an amino acid with similar properties. This amino acid position is conserved. In addition, this alteration is predicted to be tolerated by in silico analysis. Based on the available evidence, the clinical significance of this variant remains unclear.